The following is an entry in ClinVar:

ClinVar aggregate classification (germline): Pathogenic/Likely pathogenic. Review status: criteria provided, multiple submitters, no conflicts (2 of 4 stars). 2 submissions from 2 submitters: Pathogenic (1); Likely pathogenic (1). Last evaluated 2025-11-11.

Conditions:
Hypertrophic cardiomyopathy. Also called: HYPERTROPHIC MYOCARDIOPATHY. Identifiers: Orphanet 217569, MedGen C0007194, MeSH D002312, MONDO:0005045, HP:0001639.
Cardiomyopathy (CMYO). Also called: Cardiomyopathies. Identifiers: Orphanet 167848, MedGen C0878544, MONDO:0004994, HP:0001638. Inheritance: Various modes of inheritance.

Submissions (2):

Labcorp Genetics (formerly Invitae), Labcorp
Classification: Pathogenic for Hypertrophic cardiomyopathy. Last evaluated: 2025-11-11. Review status: criteria provided, single submitter. Criteria: Invitae Variant Classification Sherloc (09022015). Collection method: clinical testing. Allele origin: germline.
Comment: This sequence change affects a donor splice site in intron 15 of the MYBPC3 gene. It is expected to disrupt RNA splicing. Variants that disrupt the donor or acceptor splice site typically lead to a loss of protein function (PMID: 16199547), and loss-of-function variants in MYBPC3 are known to be pathogenic (PMID: 19574547). This variant is not present in population databases (gnomAD no frequency). Disruption of this splice site has been observed in individuals with hypertrophic cardiomyopathy (internal data). ClinVar contains an entry for this variant (Variation ID: 1329379). Algorithms developed to predict the effect of sequence changes on RNA splicing suggest that this variant may disrupt the consensus splice site. For these reasons, this variant has been classified as Pathogenic.

CHEO Genetics Diagnostic Laboratory, Children's Hospital of Eastern Ontario
Classification: Likely pathogenic for Cardiomyopathy. Last evaluated: 2020-06-18. Review status: criteria provided, single submitter. Criteria: ACMG Guidelines, 2015. Collection method: clinical testing. Allele origin: germline.

Literature cited by the submitters: PubMed 16199547 (cited by Labcorp Genetics (formerly Invitae), Labcorp); PubMed 19574547 (cited by Labcorp Genetics (formerly Invitae), Labcorp).

NM_000256.3(MYBPC3):c.1351+2T>G

Gene: MYBPC3 (myosin binding protein C3; minus strand). Cytogenetic location: 11p11.2.
Variant type: single nucleotide variant.
Coding change: c.1351+2T>G on transcript NM_000256.3 (MANE Select); the canonical splice donor site of the intron after coding-DNA position 1351, T replaced by G.
Molecular consequence: splice donor variant.
Genome position (GRCh38, 1-based): chr11:47,343,019, A>C on the plus strand (T>G on the coding strand, the complement: MYBPC3 is on the minus strand). VCF-style: chr11-47343019-A-C. GRCh37 (hg19) VCF-style: chr11-47364570-A-C.
Identifiers: ClinVar variation 1329379 (VCV001329379.3), dbSNP rs397515897, ClinGen allele CA380326611.